The following is an entry in ClinVar:

ClinVar aggregate classification (germline): Uncertain significance (1 of 4 stars; one submission).

Conditions:
Acyl-CoA oxidase deficiency. Also called: Pseudoneonatal adrenoleukodystrophy; STRAIGHT-CHAIN ACYL-CoA OXIDASE DEFICIENCY; Peroxisomal acyl-CoA oxidase deficiency. Identifiers: Orphanet 2971, MedGen C1849678, MONDO:0009919, OMIM 264470. Disease mechanism: loss of function.

Allele frequency attached by ClinVar (database versions not stated): gnomAD exomes 0.00001; ExAC 0.00002; gnomAD 0.00002; TOPMed 0.00003.
gnomAD v4.1: 20 of 1,613,988 alleles (0.0012%); highest among the groups gnomAD compares: East Asian, 0.018%; no homozygotes.

Submission:

Neuberg Centre For Genomic Medicine, NCGM
Classification: Uncertain significance for Acyl-CoA oxidase deficiency. Review status: criteria provided, single submitter. Criteria: ACMG Guidelines, 2015. Collection method: clinical testing. Allele origin: germline. Inheritance: Autosomal recessive inheritance. Affected: yes.
Comment: The missense variant c.308A>G (p.Asn103Ser) in ACOX1 gene has not been reported previously as a pathogenic variant nor as a benign variant, to our knowledge. This p.Asn103Ser variant has allele frequency of 0.003% in the gnomAD and novel (not in any individuals) in 1000 genome database. This variant has not been reported to the ClinVar database. The amino acid Asn at position 103 is changed to a Ser changing protein sequence and it might alter its composition and physico-chemical properties. The amino acid change p.Asn103Ser in ACOX1 is predicted as conserved by GERP++ and PhyloP across 100 vertebrates. For these reasons, this variant has been classified as Uncertain Significance (VUS).

NM_004035.7(ACOX1):c.269+4787A>G

Gene: ACOX1 (acyl-CoA oxidase 1; minus strand). Cytogenetic location: 17q25.1.
Variant type: single nucleotide variant.
Coding change: c.269+4787A>G on transcript NM_004035.7 (MANE Select); 4787 bases into the intron after coding-DNA position 269, A replaced by G.
Molecular consequence: intron variant. On other transcripts: missense variant (1).
Genome position (GRCh38, 1-based): chr17:75,973,747, T>C on the plus strand (A>G on the coding strand, the complement: ACOX1 is on the minus strand). VCF-style: chr17-75973747-T-C. GRCh37 (hg19) VCF-style: chr17-73969828-T-C.
Other names: c.308A>G, p.Asn103Ser (NM_007292.6); c.155+4787A>G (NM_001185039.2); short protein forms N103S.
Identifiers: ClinVar variation 2585108 (VCV002585108.1), dbSNP rs760352646, ClinGen allele CA8777086.